The following is an entry in ClinVar:

NM_000169.3(GLA):c.823_825del (p.Leu275del)

Genes: GLA (galactosidase alpha; minus strand), RPL36A-HNRNPH2 (RPL36A-HNRNPH2 readthrough; plus strand). Cytogenetic location: Xq22.1.
Variant type: Deletion.
Coding change: c.823_825del on transcript NM_000169.3 (MANE Select); coding-DNA positions 823 to 825, 3 bases deleted (CTC; older notation c.823_825delCTC).
Protein change: p.Leu275del; deletes leucine 275.
Molecular consequence: inframe deletion. On other transcripts: non-coding transcript variant (3), intron variant (2).
Genome position (GRCh38, 1-based): chrX:101,398,544-101,398,546, GAG deleted on the plus strand (CTC on the coding strand, the reverse complement: GLA is on the minus strand); deleting any 3 consecutive bases within chrX:101,398,544-101,398,547 gives the same sequence; the c. name uses the placement nearest the transcript's 3' end. VCF-style (leftmost placement, unchanged base first): chrX-101398543-TGAG-T. GRCh37 (hg19) VCF-style: chrX-100653531-TGAG-T.
Other names: c.946_948del, p.Leu316del (NM_001406747.1); c.823_825del, p.Leu275del (NM_001406748.1); c.300+3088_300+3090del (NM_001199973.2); c.177+6723_177+6725del (NM_001199974.2); short protein forms L275del, L316del.
Identifiers: ClinVar variation 4087128 (VCV004087128.2).

ClinVar aggregate classification (germline): Uncertain significance (1 of 4 stars; one submission).

Conditions:
Fabry disease. Also called: ALPHA-GALACTOSIDASE A DEFICIENCY; ANDERSON-FABRY DISEASE; CERAMIDE TRIHEXOSIDASE DEFICIENCY; GLA DEFICIENCY; HEREDITARY DYSTOPIC LIPIDOSIS; Angiokeratoma corporis diffusum. Identifiers: Orphanet 324, MedGen C0002986, MONDO:0010526, OMIM 301500, HP:0001071. Disease mechanism: Fabry disease is due to inactivating mutations in the X-linked GLA gene resulting in deficiency of the enzyme Alpha Galactosidase-A., loss of function.

Submission:

Genomenon, Inc
Classification: Uncertain significance for Fabry disease. Last evaluated: 2026-09-08. Review status: criteria provided, single submitter. Criteria: Genomenon Sequence Variant Interpretation Standards - Updated. Collection method: curation. Allele origin: germline. Affected: yes.
Comment: GLA p.Leu275del (c.823_825del) is an in-frame deletion that results in the loss of Leucine at codon 275. This variant has been observed in at least one proband with clinical features consistent with Fabry disease (PMID:39260623). It is absent or not present at a significant frequency in gnomAD. In conclusion, we classify GLA p.Leu275del (c.823_825del) as a variant of uncertain significance.

Literature cited by the submitters: PubMed 39260623.